The following is an entry in ClinVar:

ClinVar aggregate classification (germline): Pathogenic. Review status: criteria provided, single submitter (1 of 4 stars). 2 submissions from 2 submitters: Pathogenic (1). 1 of the submissions does not count toward it. Last evaluated 2019-09-16.

Conditions:
Pyruvate dehydrogenase E1-alpha deficiency (PDHAD). Also called: ATAXIA, INTERMITTENT, WITH PYRUVATE DEHYDROGENASE DEFICIENCY; ATAXIA WITH LACTIC ACIDOSIS I; ATAXIA, INTERMITTENT, WITH ABNORMAL PYRUVATE METABOLISM; Ataxia, intermittent, with pyruvate dehydrogenase, or decarboxylase, deficiency. Identifiers: Orphanet 79243, MedGen C1839413, MONDO:0010717, OMIM 312170.

Submissions (2):

Institute of Human Genetics, University of Leipzig Medical Center
Classification: Pathogenic for Pyruvate dehydrogenase E1-alpha deficiency. Last evaluated: 2019-09-16. Review status: criteria provided, single submitter. Criteria: ACMG Guidelines, 2015. Collection method: clinical testing. Allele origin: de novo. Affected: yes. Observed: 1 variant allele.
Comment: This variant was identified as de novo (maternity and paternity confirmed).

PDHA1 Study Group, University Children’s Hospital, Paracelsus Medical University
Classification: Pathogenic for Pyruvate dehydrogenase E1-alpha deficiency. Last evaluated: 2024-10-15. Review status: no assertion criteria provided. Collection method: research. Allele origin: germline. Affected: yes. Observed: 2 variant alleles. Not counted in ClinVar's aggregate classification.
Comment: The NM_000284.3:c.949_952dup (p.Met318AsnfsTer23) change is a frameshift variant in PDHA1 gene. This variant is predicted to result in nonsense-mediated decay (NMD). In total, 2 individuals were diagnosed with PDHA1-related Pyruvate dehydrogenase complex (PDHc) deficiency (MIM #312170). The variant has been reported in 2 published cases (PMIDs: 23021068, 8352855). Last literature search: July 12, 2024. This variant is absent or extremely rare in population-based cohorts in the Genome Aggregation Database (gnomAD). Individuals harboring this variant presented with clinical features compatible with PDHA1-related PDHc deficiency. In summary, this variant meets criteria to be classified as pathogenic (P) for PDHA1-related PDHc deficiency based on the ACMG/AMP criteria applied: PVS1, PS3, PM2 (last assessment October 15, 2024).

Literature cited by the submitters: PubMed 23021068 (cited by PDHA1 Study Group, University Children’s Hospital, Paracelsus Medical University); PubMed 8352855 (cited by PDHA1 Study Group, University Children’s Hospital, Paracelsus Medical University); DOI 10.1093/brain/awaf430 (cited by PDHA1 Study Group, University Children’s Hospital, Paracelsus Medical University).

NM_000284.4(PDHA1):c.949_952dup (p.Met318fs)

Gene: PDHA1 (pyruvate dehydrogenase E1 subunit alpha 1; plus strand). Cytogenetic location: Xp22.12.
Variant type: Duplication.
Coding change: c.949_952dup on transcript NM_000284.4 (MANE Select); coding-DNA positions 949 to 952, 4 bases duplicated (ATTA; older notation c.949_952dupATTA).
Protein change: p.Met318fs; shifts the reading frame from methionine 318.
Molecular consequence: frameshift variant.
Genome position (GRCh38, 1-based): chrX:19,358,965-19,358,968, ATTA duplicated. VCF-style (leftmost placement, unchanged base first): chrX-19358964-T-TATTA. GRCh37 (hg19) VCF-style: chrX-19377082-T-TATTA.
Other names: c.1063_1066dup, p.Met356fs (NM_001173454.2); c.970_973dup, p.Met325fs (NM_001173455.2); c.856_859dup, p.Met287fs (NM_001173456.2); c.949_952dup (NM_000284.3); short protein forms M287fs, M318fs, M325fs, M356fs.
Identifiers: ClinVar variation 976433 (VCV000976433.2), dbSNP rs2063232824, ClinGen allele CA1139667328.